The following is an entry in ClinVar:

ClinVar aggregate classification (germline): Uncertain significance. Review status: criteria provided, multiple submitters, no conflicts (2 of 4 stars). 2 submissions from 2 submitters: Uncertain significance (2). Last evaluated 2014-01-28.

Allele frequency attached by ClinVar (database versions not stated): gnomAD exomes 0.00034 and 0.00040; gnomAD 0.00018; TOPMed 0.00022; ExAC 0.00031; ESP Exome Variant Server 0.00031.

Submissions (2):

GeneDx
Classification: Uncertain significance. Last evaluated: 2014-01-28. Review status: criteria provided, single submitter. Criteria: GeneDx Variant Classification (06012015). Collection method: clinical testing. Allele origin: germline. Affected: yes.
Comment: The P215S missense substitution has not been published as a mutation, nor has it been reported as a benign polymorphism to our knowledge. The P215S variant is a non-conservative amino acid substitution, as these residues differ in polarity, charge, size and/or other properties and is more likely to impact secondary structure. This substitution occurs at a position in the ALDH1B1 protein that is not highly conserved. Insilico analysis predicts that P215S is damaging to the ALDH1B1 protein. Therefore, based on the currently available information, we interpret P215S to be a variant of unknown significance. The variant is found in MITONUC-MITOP panel(s).

Breakthrough Genomics
Classification: Uncertain significance. Review status: criteria provided, single submitter. Criteria: ACMG Guidelines, 2015. Collection method: not provided. Allele origin: germline. Inheritance: Autosomal recessive inheritance. Affected: yes.

NM_000692.5(ALDH1B1):c.643C>T (p.Pro215Ser)

Gene: ALDH1B1 (aldehyde dehydrogenase 1 family member B1; plus strand). Cytogenetic location: 9p13.1.
Variant type: single nucleotide variant.
Coding change: c.643C>T on transcript NM_000692.5 (MANE Select); coding-DNA position 643, C replaced by T.
Protein change: p.Pro215Ser; replaces proline 215 with serine.
Molecular consequence: missense variant.
Genome position (GRCh38, 1-based): chr9:38,396,391, C>T. VCF-style: chr9-38396391-C-T. GRCh37 (hg19) VCF-style: chr9-38396388-C-T.
Other names: p.P215S:CCC>TCC; short protein forms P215S.
Identifiers: ClinVar variation 214111 (VCV000214111.3), dbSNP rs71504569, ClinGen allele CA323345.